The following is an entry in ClinVar:

NM_001034853.2(RPGR):c.1368dup (p.Glu457fs)

Gene: RPGR (retinitis pigmentosa GTPase regulator; minus strand). Cytogenetic location: Xp11.4.
Variant type: Duplication.
Coding change: c.1368dup on transcript NM_001034853.2 (MANE Select); coding-DNA position 1368, one base duplicated (A; older notation c.1368dupA).
Protein change: p.Glu457fs; shifts the reading frame from glutamic acid 457.
Molecular consequence: frameshift variant. On other transcripts: non-coding transcript variant (6).
Genome position (GRCh38, 1-based): chrX:38,297,330, T duplicated on the plus strand (A on the coding strand, the reverse complement: RPGR is on the minus strand); the first of 2 consecutive T bases (chrX:38,297,330-38,297,331); duplicating either gives the same sequence. VCF-style (leftmost placement, unchanged base first): chrX-38297329-C-CT. GRCh37 (hg19) VCF-style: chrX-38156582-C-CT.
Other names: c.1368dup, p.Glu457fs (NM_000328.3, NM_001367247.1); c.1365dup, p.Glu456fs (NM_001367245.1, NM_001367249.1, NM_001367250.1); c.1182dup, p.Glu395fs (NM_001367246.1, NM_001367251.1); c.1398dup, p.Glu467fs (NM_001367248.1); short protein forms E457fs, E467fs, E395fs, E456fs.
Identifiers: ClinVar variation 4732802 (VCV004732802.1).
Genomic context (GRCh38, chrX:38,297,329, plus strand): 5'-AGTAGCAAATGTTACCTGGTTCCTCTGGCTGCATGAGGTCCTGTTCAGATAAGACACTCT[C>CT]TTGGAGGTTTCTCTCAGAACATCGTGGAAAGACTGAATTGGGGAGAAAACAAGCAGAAAG-3'

ClinVar aggregate classification (germline): Pathogenic (1 of 4 stars; one submission).

Conditions:
Primary ciliary dyskinesia. Also called: Ciliary dyskinesia. Identifiers: Orphanet 244, MedGen C0008780, MONDO:0016575, HP:0012265.

Submission:

Labcorp Genetics (formerly Invitae), Labcorp
Classification: Pathogenic for Primary ciliary dyskinesia. Last evaluated: 2025-12-09. Review status: criteria provided, single submitter. Criteria: Invitae Variant Classification Sherloc (09022015). Collection method: clinical testing. Allele origin: germline.
Comment: This sequence change creates a premature translational stop signal (p.Glu457Argfs*6) in the RPGR gene. It is expected to result in an absent or disrupted protein product. Loss-of-function variants in RPGR are known to be pathogenic (PMID: 16055928, 16969763). This variant is not present in population databases (gnomAD no frequency). This variant has not been reported in the literature in individuals affected with RPGR-related conditions. Algorithms developed to predict the effect of sequence changes on RNA splicing suggest that this variant may disrupt the consensus splice site. For these reasons, this variant has been classified as Pathogenic.

Literature cited by the submitters: PubMed 16055928; PubMed 16969763.